The following is an entry in ClinVar:

NM_018127.7(ELAC2):c.1675T>G (p.Leu559Val)

Gene: ELAC2 (elaC ribonuclease Z 2; minus strand). Cytogenetic location: 17p12.
Variant type: single nucleotide variant.
Coding change: c.1675T>G on transcript NM_018127.7 (MANE Select); coding-DNA position 1675, T replaced by G.
Protein change: p.Leu559Val; replaces leucine 559 with valine.
Molecular consequence: missense variant.
Genome position (GRCh38, 1-based): chr17:12,995,963, A>C on the plus strand (T>G on the coding strand, the complement: ELAC2 is on the minus strand). VCF-style: chr17-12995963-A-C. GRCh37 (hg19) VCF-style: chr17-12899280-A-C.
Other names: c.1555T>G, p.Leu519Val (NM_001165962.2); c.1672T>G, p.Leu558Val (NM_173717.2); short protein forms L519V, L558V, L559V.
Identifiers: ClinVar variation 1960130 (VCV001960130.3), dbSNP rs1041964996, ClinGen allele CA288077413.
Genomic context (GRCh38, chr17:12,995,963, plus strand): 5'-GCTGAAACTCAGAACGCCCATCAAGTGCCACACTTACCAAGGCGCGTTCTCTCTGCAGCA[A>C]GATACTTGGCAAGCCCTGGCAAGGAAACAGGAGACATGCGTCAGCCAGGCCCCAGGGCCA-3'
Protein context (NP_060597.4, residues 549-569): ADHHTGLPSI[Leu559Val]LQRERALASL

ClinVar aggregate classification (germline): Uncertain significance (1 of 4 stars; one submission).

Conditions:
Combined oxidative phosphorylation defect type 17. Also called: Combined oxidative phosphorylation deficiency 17. Identifiers: Orphanet 369913, MedGen C3809526, MONDO:0014190, OMIM 615440.

Allele frequency attached by ClinVar (database versions not stated): TOPMed below 0.00001.

Submission:

Labcorp Genetics (formerly Invitae), Labcorp
Classification: Uncertain significance for Combined oxidative phosphorylation defect type 17. Last evaluated: 2022-07-10. Review status: criteria provided, single submitter. Criteria: Invitae Variant Classification Sherloc (09022015). Collection method: clinical testing. Allele origin: germline.
Comment: In summary, the available evidence is currently insufficient to determine the role of this variant in disease. Therefore, it has been classified as a Variant of Uncertain Significance. Algorithms developed to predict the effect of missense changes on protein structure and function are either unavailable or do not agree on the potential impact of this missense change (SIFT: "Tolerated"; PolyPhen-2: "Possibly Damaging"; Align-GVGD: "Class C0"). This variant has not been reported in the literature in individuals affected with ELAC2-related conditions. This variant is not present in population databases (gnomAD no frequency). This sequence change replaces leucine, which is neutral and non-polar, with valine, which is neutral and non-polar, at codon 559 of the ELAC2 protein (p.Leu559Val).